The following is an entry in ClinVar:

NM_013275.6(ANKRD11):c.631C>T (p.Arg211Trp)

Gene: ANKRD11 (ankyrin repeat domain containing 11; minus strand). Cytogenetic location: 16q24.3.
Variant type: single nucleotide variant.
Coding change: c.631C>T on transcript NM_013275.6 (MANE Select); coding-DNA position 631, C replaced by T.
Protein change: p.Arg211Trp; replaces arginine 211 with tryptophan.
Molecular consequence: missense variant. On other transcripts: non-coding transcript variant (1).
Genome position (GRCh38, 1-based): chr16:89,288,641, G>A on the plus strand (C>T on the coding strand, the complement: ANKRD11 is on the minus strand). VCF-style: chr16-89288641-G-A. GRCh37 (hg19) VCF-style: chr16-89355049-G-A.
Other names: c.631C>T, p.Arg211Trp (NM_001256182.2, NM_001256183.2); short protein forms R211W.
Identifiers: ClinVar variation 3044712 (VCV003044712.2), dbSNP rs2544279013, ClinGen allele CA397167020.

ClinVar aggregate classification (germline): Uncertain significance (0 of 4 stars; one submission).

Conditions:
ANKRD11-related disorder. Also called: ANKRD11-related condition.

Submission:

PreventionGenetics, part of Exact Sciences
Classification: Uncertain significance for ANKRD11-related condition. Last evaluated: 2023-10-23. Review status: no assertion criteria provided. Collection method: clinical testing. Allele origin: germline.
Comment: The ANKRD11 c.631C>T variant is predicted to result in the amino acid substitution p.Arg211Trp. To our knowledge, this variant has not been reported in the literature or in a large population database, indicating this variant is rare. At this time, the clinical significance of this variant is uncertain due to the absence of conclusive functional and genetic evidence.